The following is an entry in ClinVar:

NM_007186.6(CEP250):c.4351C>T (p.Arg1451Trp)

Gene: CEP250 (centrosomal protein 250; plus strand). Cytogenetic location: 20q11.22.
Variant type: single nucleotide variant.
Coding change: c.4351C>T on transcript NM_007186.6 (MANE Select); coding-DNA position 4351, C replaced by T.
Protein change: p.Arg1451Trp; replaces arginine 1451 with tryptophan.
Molecular consequence: missense variant.
Genome position (GRCh38, 1-based): chr20:35,502,720, C>T. VCF-style: chr20-35502720-C-T. GRCh37 (hg19) VCF-style: chr20-34090548-C-T.
Other names: c.2455C>T, p.Arg819Trp (NM_001318219.1); short protein forms R819W, R1451W.
Identifiers: ClinVar variation 4000836 (VCV004000836.2).

ClinVar aggregate classification (germline): Uncertain significance. Review status: criteria provided, multiple submitters, no conflicts (2 of 4 stars). 2 submissions from 2 submitters: Uncertain significance (2). Last evaluated 2025-08-07.

gnomAD v4.1: 35 of 1,614,116 alleles (0.0022%); highest among the groups gnomAD compares: Middle Eastern, 0.016%; no homozygotes.

Submissions (2):

Labcorp Genetics (formerly Invitae), Labcorp
Classification: Uncertain significance. Last evaluated: 2025-08-07. Review status: criteria provided, single submitter. Criteria: Invitae Variant Classification Sherloc (09022015). Collection method: clinical testing. Allele origin: germline.
Comment: This sequence change replaces arginine, which is basic and polar, with tryptophan, which is neutral and slightly polar, at codon 1451 of the CEP250 protein (p.Arg1451Trp). This variant is present in population databases (rs780139027, gnomAD 0.006%). This variant has not been reported in the literature in individuals affected with CEP250-related conditions. ClinVar contains an entry for this variant (Variation ID: 4000836). An algorithm developed to predict the effect of missense changes on protein structure and function outputs the following: PolyPhen-2: "Benign". The tryptophan amino acid residue is found in multiple mammalian species, which suggests that this missense change does not adversely affect protein function. In summary, the available evidence is currently insufficient to determine the role of this variant in disease. Therefore, it has been classified as a Variant of Uncertain Significance.

Ambry Genetics
Classification: Uncertain significance. Last evaluated: 2025-05-18. Review status: criteria provided, single submitter. Criteria: Ambry Variant Classification Scheme 2023. Collection method: clinical testing. Allele origin: germline.